The following is an entry in ClinVar:

NM_004656.4(BAP1):c.753C>G (p.Asn251Lys)

Gene: BAP1 (BRCA1 associated deubiquitinase 1; minus strand). Cytogenetic location: 3p21.1.
Variant type: single nucleotide variant.
Coding change: c.753C>G on transcript NM_004656.4 (MANE Select); coding-DNA position 753, C replaced by G.
Protein change: p.Asn251Lys; replaces asparagine 251 with lysine.
Molecular consequence: missense variant.
Genome position (GRCh38, 1-based): chr3:52,406,283, G>C on the plus strand (C>G on the coding strand, the complement: BAP1 is on the minus strand). VCF-style: chr3-52406283-G-C. GRCh37 (hg19) VCF-style: chr3-52440299-G-C.
Other names: c.699C>G, p.Asn233Lys (NM_001410772.1); short protein forms N233K, N251K.
Identifiers: ClinVar variation 3224478 (VCV003224478.1), dbSNP rs1553645599, ClinGen allele CA353107124.

ClinVar aggregate classification (germline): Uncertain significance (1 of 4 stars; one submission).

Conditions:
Hereditary cancer-predisposing syndrome. Also called: Tumor predisposition; Hereditary neoplastic syndrome; Hereditary Cancer Syndrome; Neoplastic Syndromes, Hereditary. Identifiers: Orphanet 140162, MedGen C0027672, MeSH D009386, MONDO:0015356.

Submission:

Ambry Genetics
Classification: Uncertain significance for Hereditary cancer-predisposing syndrome. Last evaluated: 2023-10-02. Review status: criteria provided, single submitter. Criteria: Ambry Variant Classification Scheme 2023. Collection method: clinical testing. Allele origin: germline.
Comment: The p.N251K variant (also known as c.753C>G), located in coding exon 9 of the BAP1 gene, results from a C to G substitution at nucleotide position 753. The asparagine at codon 251 is replaced by lysine, an amino acid with similar properties. This amino acid position is conserved. In addition, this alteration is predicted to be tolerated by in silico analysis. Since supporting evidence is limited at this time, the clinical significance of this alteration remains unclear.